The following is an entry in ClinVar:

NM_001363711.2(DUOX2):c.498C>A (p.Ser166Arg)

Gene: DUOX2 (dual oxidase 2; minus strand). Cytogenetic location: 15q21.1.
Variant type: single nucleotide variant.
Coding change: c.498C>A on transcript NM_001363711.2 (MANE Select); coding-DNA position 498, C replaced by A.
Protein change: p.Ser166Arg; replaces serine 166 with arginine.
Molecular consequence: missense variant.
Genome position (GRCh38, 1-based): chr15:45,111,783, G>T on the plus strand (C>A on the coding strand, the complement: DUOX2 is on the minus strand). VCF-style: chr15-45111783-G-T. GRCh37 (hg19) VCF-style: chr15-45403981-G-T.
Other names: c.498C>A, p.Ser166Arg (NM_014080.5); short protein forms S166R.
Identifiers: ClinVar variation 316187 (VCV000316187.9), dbSNP rs370438048, ClinGen allele CA7538944.

ClinVar aggregate classification (germline): Uncertain significance. Review status: criteria provided, multiple submitters, no conflicts (2 of 4 stars). 3 submissions from 3 submitters: Uncertain significance (3). Last evaluated 2025-01-29.

Conditions:
Thyroid dyshormonogenesis 6 (TDH6). Also called: THYROID HORMONOGENESIS, GENETIC DEFECT IN, 6; Genetic transient congenital hypothyroidism; HYPOTHYROIDISM, CONGENITAL, DUE TO DYSHORMONOGENESIS, 6. Identifiers: Orphanet 226316, Orphanet 95716, MedGen C1846632, MONDO:0011792, OMIM 607200.

Allele frequency attached by ClinVar (database versions not stated): TOPMed 0.00004; gnomAD 0.00005 and 0.00006; gnomAD exomes 0.00005 and 0.00008; ExAC 0.00007; ESP Exome Variant Server 0.00016.
gnomAD v4.1: 116 of 1,607,198 alleles (0.0072%); highest among the groups gnomAD compares: Non-Finnish European, 0.0095%; no homozygotes.

Submissions (3):

Labcorp Genetics (formerly Invitae), Labcorp
Classification: Uncertain significance. Last evaluated: 2025-01-29. Review status: criteria provided, single submitter. Criteria: Invitae Variant Classification Sherloc (09022015). Collection method: clinical testing. Allele origin: germline.
Comment: This sequence change replaces serine, which is neutral and polar, with arginine, which is basic and polar, at codon 166 of the DUOX2 protein (p.Ser166Arg). This variant is present in population databases (rs370438048, gnomAD 0.01%). This missense change has been observed in individual(s) with congenital hypothyroidism (PMID: 34248839). ClinVar contains an entry for this variant (Variation ID: 316187). Invitae Evidence Modeling of protein sequence and biophysical properties (such as structural, functional, and spatial information, amino acid conservation, physicochemical variation, residue mobility, and thermodynamic stability) indicates that this missense variant is not expected to disrupt DUOX2 protein function with a negative predictive value of 80%. In summary, the available evidence is currently insufficient to determine the role of this variant in disease. Therefore, it has been classified as a Variant of Uncertain Significance.

Illumina Laboratory Services, Illumina
Classification: Uncertain significance for Thyroid dyshormonogenesis 6. Last evaluated: 2018-01-12. Review status: criteria provided, single submitter. Criteria: ICSL Variant Classification Criteria 13 December 2019. Collection method: clinical testing. Allele origin: germline.

GeneDx
Classification: Uncertain significance. Last evaluated: 2017-07-21. Review status: criteria provided, single submitter. Criteria: GeneDx Variant Classification (06012015). Collection method: clinical testing. Allele origin: germline. Affected: yes.
Comment: The S166R variant in the DUOX2 gene has not been reported previously as a pathogenic variant, nor as a benign variant, to our knowledge. The S166R variant is observed in 4/31054 (0.013%) alleles from individuals of non-Finnish European background, in the ExAC dataset (Lek et al., 2016). The S166R variant is a semi-conservative amino acid substitution, which may impact secondary protein structure as these residues differ in some properties. This substitution occurs at a position where amino acids with similar properties to Serine are tolerated across species. In silico analysis is inconsistent in its predictions as to whether or not the variant is damaging to the protein structure/function. We interpret S166R as a variant of uncertain significance.

Literature cited by the submitters: PubMed 34248839 (cited by Labcorp Genetics (formerly Invitae), Labcorp).